The following is an entry in ClinVar:

ClinVar aggregate classification (germline): Uncertain significance (1 of 4 stars; one submission).

Conditions:
Hereditary cancer-predisposing syndrome. Also called: Tumor predisposition; Hereditary Cancer Syndrome; Neoplastic Syndromes, Hereditary; Hereditary neoplastic syndrome. Identifiers: Orphanet 140162, MedGen C0027672, MeSH D009386, MONDO:0015356.

Submission:

Ambry Genetics
Classification: Uncertain significance for Hereditary cancer-predisposing syndrome. Last evaluated: 2025-05-06. Review status: criteria provided, single submitter. Criteria: Ambry Variant Classification Scheme 2023. Collection method: clinical testing. Allele origin: germline.
Comment: The c.2997_2998delAG variant, located in coding exon 19 of the BRIP1 gene, results from a deletion of two nucleotides at nucleotide positions 2997 to 2998, causing a translational frameshift with a predicted alternate stop codon (p.R999Sfs*2). This alteration occurs at the 3' terminus of BRIP1 gene, is not expected to trigger nonsense-mediated mRNA decay, and only impacts the last 251 amino acids of the protein. The exact functional impact of this alteration is unknown. While the C-terminal region of the BRIP1 protein has been shown by structural, biochemical, and mutational analysis to be relevant for some aspects of BRIP1 protein function (Gong Z et al. Mol. Cell, 2010 Feb;37:438-46; Leung CC et al. J. Biol. Chem. 2011 Feb; 286(6):4292-301; Xie J et al. PLoS Genet. 2012 Jul; 8(7):e1002786), functional studies have shown that truncations in the 3' terminus of BRIP1 display normal function in response to intra-strand cross-linking agents (Calvo JA et al. Mol Cancer Res, 2021 Jun;19:1015-1025). In addition, 3' truncations in BRIP1 occurring upstream of this variant have been detected in the homozygous or compound heterozygous state in individuals with no reported features of BRIP1-related Fanconi Anemia (FA-J) (Ambry internal data). Based on the available evidence, the clinical significance of this variant remains unclear.

NM_032043.3(BRIP1):c.2997_2998del (p.Arg999fs)

Gene: BRIP1 (BRCA1 interacting DNA helicase 1; minus strand). Cytogenetic location: 17q23.2.
Variant type: Microsatellite.
Coding change: c.2997_2998del on transcript NM_032043.3 (MANE Select); coding-DNA positions 2997 to 2998, 2 bases deleted (AG; older notation c.2997_2998delAG).
Protein change: p.Arg999fs; shifts the reading frame from arginine 999.
Molecular consequence: frameshift variant.
Genome position (GRCh38, 1-based): chr17:61,684,048-61,684,049, CT deleted on the plus strand (AG on the coding strand, the reverse complement: BRIP1 is on the minus strand); deleting any 2 consecutive bases within chr17:61,684,048-61,684,053 gives the same sequence; the c. name uses the placement nearest the transcript's 3' end. VCF-style (leftmost placement, unchanged base first): chr17-61684047-ACT-A. GRCh37 (hg19) VCF-style: chr17-59761408-ACT-A.
Other names: short protein forms R999fs.
Identifiers: ClinVar variation 822477 (VCV000822477.6), dbSNP rs1603275616, ClinGen allele CA915950689.
Genomic context (GRCh38, chr17:61,684,047, plus strand): 5'-GTTGCCTTCGGTATTTTACCAGTAAAATACTGTCCCAAAGAATTAAAGCTTGACCAGCTA[ACT>A]CTCTTTGTTTGTTTGTTGAAAGTTGGGCTTGTGGATCTGGAAATCACAATTTTTTCTGCT-3'